The following is an entry in ClinVar:

NM_178857.6(RP1L1):c.3554G>A (p.Gly1185Glu)

Gene: RP1L1 (RP1 like 1). Cytogenetic location: 8p23.1.
Variant type: single nucleotide variant.
Coding change: c.3554G>A on transcript NM_178857.6 (MANE Select); coding-DNA position 3554, G replaced by A.
Protein change: p.Gly1185Glu; replaces glycine 1185 with glutamic acid.
Molecular consequence: missense variant.
Genome position (GRCh38, 1-based): chr8:10,610,544, C>T on the plus strand (G>A on the coding strand, the complement: RP1L1 is on the minus strand). VCF-style: chr8-10610544-C-T. GRCh37 (hg19) VCF-style: chr8-10468054-C-T.
Other names: short protein forms G1185E.
Identifiers: ClinVar variation 911260 (VCV000911260.6), dbSNP rs75613131, ClinGen allele CA4624449.

ClinVar aggregate classification (germline): Benign. Review status: criteria provided, multiple submitters, no conflicts (2 of 4 stars). 3 submissions from 3 submitters: Benign (3). Last evaluated 2024-08-08.

Conditions:
Occult macular dystrophy (OCMD). Also called: OCCULT MACULAR DYSTROPHY, SUSCEPTIBILITY TO; OMD. Identifiers: Orphanet 247834, MedGen C3150833, MONDO:0013316, OMIM 613587, HP:0030636.

Allele frequency attached by ClinVar (database versions not stated): gnomAD exomes 0.00016; ExAC 0.00049; ESP Exome Variant Server 0.00118; gnomAD 0.00202 and 0.00217; TOPMed 0.00206; 1000 Genomes Project 0.00240; 1000 Genomes Project 30x 0.00250.
gnomAD v4.1: 547 of 1,613,730 alleles (0.034%); highest among the groups gnomAD compares: African/African-American, 0.67%; 4 homozygotes.

Submissions (3):

Blueprint Genetics
Classification: Benign. Last evaluated: 2024-08-08. Review status: criteria provided, single submitter. Criteria: ACMG Guidelines, 2015. Collection method: clinical testing. Allele origin: germline.

Illumina Laboratory Services, Illumina
Classification: Benign for Occult macular dystrophy. Last evaluated: 2018-01-13. Review status: criteria provided, single submitter. Criteria: ICSL Variant Classification Criteria 13 December 2019. Collection method: clinical testing. Allele origin: germline.
Comment: This variant was observed in the ICSL laboratory as part of a predisposition screen in an ostensibly healthy population. It had not been previously curated by ICSL or reported in the Human Gene Mutation Database (HGMD: prior to June 1st, 2018), and was therefore a candidate for classification through an automated scoring system. Utilizing variant allele frequency, disease prevalence and penetrance estimates, and inheritance mode, an automated score was calculated to assess if this variant is too frequent to cause the disease. Based on the score and internal cut-off values, a variant classified as benign is not then subjected to further curation. The score for this variant resulted in a classification of benign for this disease.

Breakthrough Genomics
Classification: Benign. Review status: criteria provided, single submitter. Criteria: ACMG Guidelines, 2015. Collection method: not provided. Allele origin: germline. Inheritance: Autosomal recessive inheritance. Affected: yes.